The following is an entry in ClinVar:

NM_003000.3(SDHB):c.541G>A (p.Asp181Asn)

Gene: SDHB (succinate dehydrogenase complex iron sulfur subunit B; minus strand). Cytogenetic location: 1p36.13.
Variant type: single nucleotide variant.
Coding change: c.541G>A on transcript NM_003000.3 (MANE Select); coding-DNA position 541, G replaced by A.
Protein change: p.Asp181Asn; replaces aspartic acid 181 with asparagine.
Molecular consequence: missense variant.
Genome position (GRCh38, 1-based): chr1:17,024,074, C>T on the plus strand (G>A on the coding strand, the complement: SDHB is on the minus strand). VCF-style: chr1-17024074-C-T. GRCh37 (hg19) VCF-style: chr1-17350569-C-T.
Other names: short protein forms D181N.
Identifiers: ClinVar variation 412479 (VCV000412479.29), dbSNP rs201385062, ClinGen allele CA089665.

ClinVar aggregate classification (germline): Uncertain significance. Review status: criteria provided, multiple submitters, no conflicts (2 of 4 stars). 7 submissions from 7 submitters: Uncertain significance (7). Last evaluated 2026-01-27.

Conditions:
SDHB-related disorder. Also called: SDHB-related condition; SDHB-related disorders. Identifiers: MedGen CN239418.
Pheochromocytoma/paraganglioma syndrome 4. Also called: CAROTID BODY TUMORS AND MULTIPLE EXTRAADRENAL PHEOCHROMOCYTOMAS; PARAGANGLIOMA, FAMILIAL MALIGNANT; PARAGANGLIOMAS, HEREDITARY EXTRAADRENAL; PHEOCHROMOCYTOMA, FAMILIAL EXTRAADRENAL; SDHB-Related Hereditary Paraganglioma-Pheochromocytoma Syndrome (Paragangliomas 4); SDHB-Related Hereditary Paraganglioma-Pheochromocytoma Syndrome. Identifiers: Orphanet 29072, MedGen C1861848, MONDO:0007273, OMIM 115310.
Gastrointestinal stromal tumor. Also called: Gastrointestinal stroma tumor; Gastrointestinal stromal tumor, somatic. Identifiers: Orphanet 44890, MedGen C0238198, MeSH D046152, MONDO:0011719, OMIM 606764, HP:0100723.
Pheochromocytoma. Also called: MAX-Related Hereditary Paraganglioma-Pheochromocytoma Syndrome. Identifiers: Orphanet 29072, MedGen C0031511, MONDO:0008233, OMIM 171300, HP:0002666.
Hereditary cancer-predisposing syndrome. Also called: Neoplastic Syndromes, Hereditary; Tumor predisposition; Hereditary Cancer Syndrome; Hereditary neoplastic syndrome. Identifiers: Orphanet 140162, MedGen C0027672, MeSH D009386, MONDO:0015356.
Hereditary pheochromocytoma and paraganglioma. Also called: Hereditary Paraganglioma-Pheochromocytoma Syndromes; Hereditary paragangliomas and pheochromocytomas; Hereditary pheochromocytoma-paraganglioma. Identifiers: Orphanet 29072, MedGen C4274332, MONDO:0017366.

Allele frequency attached by ClinVar (database versions not stated): gnomAD exomes below 0.00001; ExAC 0.00001; gnomAD 0.00001; TOPMed 0.00001.
gnomAD v4.1: 7 of 1,609,704 alleles (0.00043%); highest among the groups gnomAD compares: East Asian, 0.0022%; no homozygotes.

Submissions (7):

Labcorp Genetics (formerly Invitae), Labcorp
Classification: Uncertain significance for Gastrointestinal stromal tumor; Pheochromocytoma/paraganglioma syndrome 4; Pheochromocytoma. Last evaluated: 2026-01-27. Review status: criteria provided, single submitter. Criteria: Invitae Variant Classification Sherloc (09022015). Collection method: clinical testing. Allele origin: germline.
Comment: This sequence change replaces aspartic acid, which is acidic and polar, with asparagine, which is neutral and polar, at codon 181 of the SDHB protein (p.Asp181Asn). This variant is present in population databases (rs201385062, gnomAD 0.0009%). This variant has not been reported in the literature in individuals affected with SDHB-related conditions. ClinVar contains an entry for this variant (Variation ID: 412479). An algorithm developed to predict the effect of missense changes on protein structure and function (PolyPhen-2) suggests that this variant is likely to be tolerated. In summary, the available evidence is currently insufficient to determine the role of this variant in disease. Therefore, it has been classified as a Variant of Uncertain Significance.

PreventionGenetics, part of Exact Sciences
Classification: Uncertain significance for SDHB-related condition. Last evaluated: 2025-07-14. Review status: criteria provided, single submitter. Criteria: ACMG Guidelines, 2015. Collection method: clinical testing. Allele origin: germline.
Comment: The SDHB c.541G>A variant is predicted to result in the amino acid substitution p.Asp181Asn. To our knowledge, this variant has not been reported in the literature. This variant is reported in 0.00088% of alleles in individuals of European (Non-Finnish) descent in gnomAD. This variant has an interpretation of uncertain significance in ClinVar. At this time, the clinical significance of this variant is uncertain due to the absence of conclusive functional and genetic evidence.

All of Us Research Program, National Institutes of Health
Classification: Uncertain significance for Hereditary pheochromocytoma and paraganglioma. Last evaluated: 2024-08-23. Review status: criteria provided, single submitter. Criteria: ACMG Guidelines, 2015. Collection method: clinical testing. Allele origin: germline. Inheritance: Autosomal dominant inheritance. Observed: 6 variant alleles, 6 heterozygotes.
Comment: This missense variant replaces aspartic acid with asparagine at codon 181 of the SDHB protein. Computational prediction suggests that this variant may have deleterious impact on protein structure and function. To our knowledge, functional studies have not been reported for this variant. This variant has not been reported in individuals affected with hereditary cancer in the literature. This variant has been identified in 1/249798 chromosomes in the general population by the Genome Aggregation Database (gnomAD). The available evidence is insufficient to determine the role of this variant in disease conclusively. Therefore, this variant is classified as a Variant of Uncertain Significance.

This study involves interpretation of variants in research participants for the purpose of population health screening. Participant phenotype was not available at the time of variant classification. Additional details can be found in publication PMID: 35346344, PMCID: PMC8962531

Baylor Genetics
Classification: Uncertain significance for Gastrointestinal stromal tumor. Last evaluated: 2024-03-26. Review status: criteria provided, single submitter. Criteria: ACMG Guidelines, 2015. Collection method: clinical testing. Allele origin: unknown.

Color Diagnostics, LLC DBA Color Health
Classification: Uncertain significance for Hereditary pheochromocytoma and paraganglioma. Last evaluated: 2024-02-14. Review status: criteria provided, single submitter. Criteria: ACMG Guidelines, 2015. Collection method: clinical testing. Allele origin: germline.
Comment: This missense variant replaces aspartic acid with asparagine at codon 181 of the SDHB protein. Computational prediction suggests that this variant may have deleterious impact on protein structure and function. To our knowledge, functional studies have not been reported for this variant. This variant has not been reported in individuals affected with hereditary cancer in the literature. This variant has been identified in 1/249798 chromosomes in the general population by the Genome Aggregation Database (gnomAD). The available evidence is insufficient to determine the role of this variant in disease conclusively. Therefore, this variant is classified as a Variant of Uncertain Significance.

Ambry Genetics
Classification: Uncertain significance for Hereditary cancer-predisposing syndrome. Last evaluated: 2024-01-16. Review status: criteria provided, single submitter. Criteria: Ambry Variant Classification Scheme 2023. Collection method: clinical testing. Allele origin: germline.
Comment: The p.D181N variant (also known as c.541G>A) is located in coding exon 6 of the SDHB gene. The aspartic acid at codon 181 is replaced by asparagine, an amino acid with highly similar properties. This change occurs in the first base pair of coding exon 6. This amino acid position is highly conserved in available vertebrate species. In addition, the in silico prediction for this alteration is inconclusive. Since supporting evidence is limited at this time, the clinical significance of this alteration remains unclear.

GeneDx
Classification: Uncertain significance. Last evaluated: 2023-07-31. Review status: criteria provided, single submitter. Criteria: GeneDx Variant Classification Process June 2021. Collection method: clinical testing. Allele origin: germline. Affected: yes.
Comment: Not observed at a significant frequency in large population cohorts (gnomAD); In silico analysis supports that this missense variant has a deleterious effect on protein structure/function; Has not been previously published as pathogenic or benign to our knowledge